The following is an entry in ClinVar:

ClinVar aggregate classification (germline): Conflicting classifications of pathogenicity. Review status: criteria provided, conflicting classifications (1 of 4 stars). 2 submissions from 2 submitters: Uncertain significance (1); Benign (1). Last evaluated 2025-12-24.

Conditions:
Primary ciliary dyskinesia 7. Also called: CILIARY DYSKINESIA, PRIMARY, 7, WITH OR WITHOUT SITUS INVERSUS. Identifiers: Orphanet 244, MedGen C2678473, MONDO:0012748, OMIM 611884.
Primary ciliary dyskinesia. Also called: Ciliary dyskinesia. Identifiers: Orphanet 244, MedGen C0008780, MONDO:0016575, HP:0012265.

Allele frequency attached by ClinVar (database versions not stated): gnomAD exomes 0.00002 and 0.00005; TOPMed 0.00003; ExAC 0.00004.
gnomAD v4.1: 29 of 1,613,834 alleles (0.0018%); highest among the groups gnomAD compares: Admixed American, 0.015%; no homozygotes.

Submissions (2):

Labcorp Genetics (formerly Invitae), Labcorp
Classification: Benign for Primary ciliary dyskinesia. Last evaluated: 2025-12-24. Review status: criteria provided, single submitter. Criteria: Invitae Variant Classification Sherloc (09022015). Collection method: clinical testing. Allele origin: germline.

Baylor Genetics
Classification: Uncertain significance for Primary ciliary dyskinesia 7. Last evaluated: 2019-07-16. Review status: criteria provided, single submitter. Criteria: ACMG Guidelines, 2015. Collection method: clinical testing. Allele origin: unknown. Affected: yes.
Comment: This variant was determined to be of uncertain significance according to ACMG Guidelines, 2015 [PMID:25741868].

NM_001277115.2(DNAH11):c.12992C>T (p.Thr4331Met)

Gene: DNAH11 (dynein axonemal heavy chain 11; plus strand). Cytogenetic location: 7p15.3.
Variant type: single nucleotide variant.
Coding change: c.12992C>T on transcript NM_001277115.2 (MANE Select); coding-DNA position 12992, C replaced by T.
Protein change: p.Thr4331Met; replaces threonine 4331 with methionine.
Molecular consequence: missense variant.
Genome position (GRCh38, 1-based): chr7:21,894,942, C>T. VCF-style: chr7-21894942-C-T. GRCh37 (hg19) VCF-style: chr7-21934560-C-T.
Other names: short protein forms T4331M.
Identifiers: ClinVar variation 1030334 (VCV001030334.4), dbSNP rs760795047, ClinGen allele CA4183241.